The following is an entry in ClinVar:

ClinVar aggregate classification (germline): Uncertain significance (1 of 4 stars; one submission).

Conditions:
Autosomal dominant limb-girdle muscular dystrophy type 1D (DNAJB6) (LGMDD1). Also called: MUSCULAR DYSTROPHY, LIMB-GIRDLE, TYPE 1D; Autosomal dominant limb-girdle muscular dystrophy type 1D; Muscular dystrophy, limb-girdle, autosomal dominant 1; MUSCULAR DYSTROPHY, AUTOSOMAL DOMINANT, WITH RIMMED VACUOLES. Identifiers: Orphanet 34516, MedGen C4721885, MONDO:0021018, OMIM 603511.

Submission:

Labcorp Genetics (formerly Invitae), Labcorp
Classification: Uncertain significance for Autosomal dominant limb-girdle muscular dystrophy type 1D (DNAJB6). Last evaluated: 2023-08-17. Review status: criteria provided, single submitter. Criteria: Invitae Variant Classification Sherloc (09022015). Collection method: clinical testing. Allele origin: germline.
Comment: In summary, the available evidence is currently insufficient to determine the role of this variant in disease. Therefore, it has been classified as a Variant of Uncertain Significance. Advanced modeling of protein sequence and biophysical properties (such as structural, functional, and spatial information, amino acid conservation, physicochemical variation, residue mobility, and thermodynamic stability) performed at Invitae indicates that this missense variant is not expected to disrupt DNAJB6 protein function. ClinVar contains an entry for this variant (Variation ID: 1449342). This variant has not been reported in the literature in individuals affected with DNAJB6-related conditions. This variant is not present in population databases (gnomAD no frequency). This sequence change replaces glutamic acid, which is acidic and polar, with glycine, which is neutral and non-polar, at codon 280 of the DNAJB6 protein (p.Glu280Gly).

NM_058246.4(DNAJB6):c.839A>G (p.Glu280Gly)

Gene: DNAJB6 (DnaJ heat shock protein family (Hsp40) member B6; plus strand). Cytogenetic location: 7q36.3.
Variant type: single nucleotide variant.
Coding change: c.839A>G on transcript NM_058246.4 (MANE Select); coding-DNA position 839, A replaced by G.
Protein change: p.Glu280Gly; replaces glutamic acid 280 with glycine.
Molecular consequence: missense variant.
Genome position (GRCh38, 1-based): chr7:157,409,942, A>G. VCF-style: chr7-157409942-A-G. GRCh37 (hg19) VCF-style: chr7-157202636-A-G.
Other names: c.494A>G, p.Glu165Gly (NM_001363676.1); short protein forms E280G, E165G.
Identifiers: ClinVar variation 1449342 (VCV001449342.8), dbSNP rs2116650681, ClinGen allele CA370167437.
Genomic context (GRCh38, chr7:157,409,942, plus strand): 5'-CGAAGCCGCCCCGGCCTGCCTCGCTGCTGAGACACGCGCCTCACTGTCTCTCTGAGGAGG[A>G]GGGCGAGCAGGACCGACCTCGGGCACCCGGGCCCTGGGACCCCCTCGCGTCCGCAGCAGG-3'
Protein context (NP_490647.1, residues 270-290): RHAPHCLSEE[Glu280Gly]GEQDRPRAPG